The following is an entry in ClinVar:

NM_000363.5(TNNI3):c.605A>C (p.Glu202Ala)

Gene: TNNI3 (troponin I3, cardiac type; minus strand). Cytogenetic location: 19q13.42.
Variant type: single nucleotide variant.
Coding change: c.605A>C on transcript NM_000363.5 (MANE Select); coding-DNA position 605, A replaced by C.
Protein change: p.Glu202Ala; replaces glutamic acid 202 with alanine.
Molecular consequence: missense variant.
Genome position (GRCh38, 1-based): chr19:55,151,862, T>G on the plus strand (A>C on the coding strand, the complement: TNNI3 is on the minus strand). VCF-style: chr19-55151862-T-G. GRCh37 (hg19) VCF-style: chr19-55663230-T-G.
Other names: short protein forms E202A.
Identifiers: ClinVar variation 3723677 (VCV003723677.2).
Genomic context (GRCh38, chr19:55,151,862, plus strand): 5'-CTCCTCAGGGCAGGGGCAGTAGGCAGGAAGGCTCAGCTCTCAAACTTTTTCTTGCGGCCC[T>G]CCATTCCACTCAGTGCATCGATGTTCTTGCGCCAGTCTCCCACCTCCCGGTTTTCCTGGA-3'
Protein context (NP_000354.4, residues 192-210): RKNIDALSGM[Glu202Ala]GRKKKFES

ClinVar aggregate classification (germline): Uncertain significance (1 of 4 stars; one submission).

Conditions:
Hypertrophic cardiomyopathy. Also called: HYPERTROPHIC MYOCARDIOPATHY. Identifiers: Orphanet 217569, MedGen C0007194, MeSH D002312, MONDO:0005045, HP:0001639.

gnomAD v4.1: 1 of 1,614,104 alleles (0.000062%); highest among the groups gnomAD compares: Non-Finnish European, 0.000085%; no homozygotes.

Submission:

Labcorp Genetics (formerly Invitae), Labcorp
Classification: Uncertain significance for Hypertrophic cardiomyopathy. Last evaluated: 2024-09-06. Review status: criteria provided, single submitter. Criteria: Invitae Variant Classification Sherloc (09022015). Collection method: clinical testing. Allele origin: germline.
Comment: This sequence change replaces glutamic acid, which is acidic and polar, with alanine, which is neutral and non-polar, at codon 202 of the TNNI3 protein (p.Glu202Ala). This variant is not present in population databases (gnomAD no frequency). This missense change has been observed in individual(s) with hypertrophic cardiomyopathy (PMID: 27532257). An algorithm developed to predict the effect of missense changes on protein structure and function (PolyPhen-2) suggests that this variant is likely to be disruptive. In summary, the available evidence is currently insufficient to determine the role of this variant in disease. Therefore, it has been classified as a Variant of Uncertain Significance.

Literature cited by the submitters: PubMed 27532257.